The following is an entry in ClinVar:

ClinVar aggregate classification (germline): Uncertain significance (1 of 4 stars; one submission).

Conditions:
Inborn genetic diseases. Identifiers: MedGen C0950123, MeSH D030342.

Submission:

Ambry Genetics
Classification: Uncertain significance for Inborn genetic diseases. Last evaluated: 2025-07-28. Review status: criteria provided, single submitter. Criteria: Ambry Variant Classification Scheme 2023. Collection method: clinical testing. Allele origin: germline.
Comment: The p.D1098Y variant (also known as c.3292G>T), located in coding exon 1 of the SAMD9 gene, results from a G to T substitution at nucleotide position 3292. The aspartic acid at codon 1098 is replaced by tyrosine, an amino acid with highly dissimilar properties. This amino acid position is conserved. In addition, this alteration is predicted to be tolerated by in silico analysis. Based on the available evidence, the clinical significance of this variant remains unclear.

NM_017654.4(SAMD9):c.3292G>T (p.Asp1098Tyr)

Gene: SAMD9 (sterile alpha motif domain containing 9; minus strand). Cytogenetic location: 7q21.2.
Variant type: single nucleotide variant.
Coding change: c.3292G>T on transcript NM_017654.4 (MANE Select); coding-DNA position 3292, G replaced by T.
Protein change: p.Asp1098Tyr; replaces aspartic acid 1098 with tyrosine.
Molecular consequence: missense variant.
Genome position (GRCh38, 1-based): chr7:93,102,806, C>A on the plus strand (G>T on the coding strand, the complement: SAMD9 is on the minus strand). VCF-style: chr7-93102806-C-A. GRCh37 (hg19) VCF-style: chr7-92732119-C-A.
Other names: c.3292G>T, p.Asp1098Tyr (NM_001193307.2); short protein forms D1098Y.
Identifiers: ClinVar variation 4159101 (VCV004159101.1).